The following is an entry in ClinVar:

NM_194248.3(OTOF):c.1522G>A (p.Val508Met)

Gene: OTOF (otoferlin; minus strand). Cytogenetic location: 2p23.3.
Variant type: single nucleotide variant.
Coding change: c.1522G>A on transcript NM_194248.3 (MANE Select); coding-DNA position 1522, G replaced by A.
Protein change: p.Val508Met; replaces valine 508 with methionine.
Molecular consequence: missense variant.
Genome position (GRCh38, 1-based): chr2:26,482,463, C>T on the plus strand (G>A on the coding strand, the complement: OTOF is on the minus strand). VCF-style: chr2-26482463-C-T. GRCh37 (hg19) VCF-style: chr2-26705331-C-T.
Other names: c.1522G>A (NM_194248.2); c.1522G>A, p.Val508Met (NM_001287489.2); short protein forms V508M.
Identifiers: ClinVar variation 2889790 (VCV002889790.6), dbSNP rs530494158, ClinGen allele CA1564252.

ClinVar aggregate classification (germline): Conflicting classifications of pathogenicity. Review status: criteria provided, conflicting classifications (1 of 4 stars). 3 submissions from 3 submitters: Uncertain significance (1); Likely benign (1). 1 of the submissions does not count toward it. Last evaluated 2026-01-13.

Conditions:
OTOF-related disorder. Also called: OTOF-related condition.

Allele frequency attached by ClinVar (database versions not stated): TOPMed 0.00002; gnomAD 0.00008; gnomAD exomes 0.00018; ExAC 0.00038; 1000 Genomes Project 30x 0.00078; 1000 Genomes Project 0.00100.

Submissions (3):

Labcorp Genetics (formerly Invitae), Labcorp
Classification: Likely benign. Last evaluated: 2026-01-13. Review status: criteria provided, single submitter. Criteria: Invitae Variant Classification Sherloc (09022015). Collection method: clinical testing. Allele origin: germline.

Blueprint Genetics
Classification: Uncertain significance. Last evaluated: 2024-07-11. Review status: criteria provided, single submitter. Criteria: ACMG Guidelines, 2015. Collection method: clinical testing. Allele origin: germline.

PreventionGenetics, part of Exact Sciences
Classification: Likely benign for OTOF-related condition. Last evaluated: 2022-09-08. Review status: no assertion criteria provided. Collection method: clinical testing. Allele origin: germline. Not counted in ClinVar's aggregate classification.
Comment: This variant is classified as likely benign based on ACMG/AMP sequence variant interpretation guidelines (Richards et al. 2015 PMID: 25741868, with internal and published modifications).